The following is an entry in ClinVar:

ClinVar aggregate classification (germline): Conflicting classifications of pathogenicity. Review status: criteria provided, conflicting classifications (1 of 4 stars). 3 submissions from 3 submitters: Uncertain significance (1); Likely benign (2). Last evaluated 2026-08-17.

Conditions:
Inborn genetic diseases. Identifiers: MedGen C0950123, MeSH D030342.
Greig cephalopolysyndactyly syndrome (GCPS). Also called: Greig syndrome; GLI3-Related Greig Cephalopolysyndactyly Syndrome; POLYSYNDACTYLY WITH PECULIAR SKULL SHAPE. Identifiers: Orphanet 380, MedGen C0265306, MONDO:0008287, OMIM 175700.
Pallister-Hall syndrome (PHS). Also called: GLI3-Related Pallister-Hall Syndrome; HYPOTHALAMIC HAMARTOBLASTOMA, HYPOPITUITARISM, IMPERFORATE ANUS, AND POSTAXIAL POLYDACTYLY. Identifiers: Orphanet 672, MedGen C0265220, MONDO:0007804, OMIM 146510.

Allele frequency attached by ClinVar (database versions not stated): TOPMed 0.00016; gnomAD 0.00007; gnomAD exomes below 0.00001; ExAC 0.00001.
gnomAD v4.1: 21 of 1,607,842 alleles (0.0013%); highest among the groups gnomAD compares: Admixed American, 0.018%; no homozygotes.

Submissions (3):

Ambry Genetics
Classification: Uncertain significance for Inborn genetic diseases. Last evaluated: 2026-08-17. Review status: criteria provided, single submitter. Criteria: Ambry Variant Classification Scheme 2023. Collection method: clinical testing. Allele origin: germline.
Comment: The c.2735G>A (p.S912N) alteration is located in exon 15 (coding exon 14) of the GLI3 gene. This alteration results from a G to A substitution at nucleotide position 2735, causing the serine (S) at amino acid position 912 to be replaced by an asparagine (N). Based on data from gnomAD, the A allele has an overall frequency of <0.001% (1/237468) total alleles studied. The highest observed frequency was 0.003% (1/34290) of Latino alleles. Based on insufficient or conflicting evidence, the clinical significance of this alteration remains unclear.

Labcorp Genetics (formerly Invitae), Labcorp
Classification: Likely benign for Pallister-Hall syndrome; Greig cephalopolysyndactyly syndrome. Last evaluated: 2025-09-01. Review status: criteria provided, single submitter. Criteria: Invitae Variant Classification Sherloc (09022015). Collection method: clinical testing. Allele origin: germline.

GeneDx
Classification: Likely benign. Last evaluated: 2019-01-11. Review status: criteria provided, single submitter. Criteria: GeneDx Variant Classification Process June 2021. Collection method: clinical testing. Allele origin: germline. Affected: yes.

NM_000168.6(GLI3):c.2735G>A (p.Ser912Asn)

Gene: GLI3 (GLI family zinc finger 3; minus strand). Cytogenetic location: 7p14.1.
Variant type: single nucleotide variant.
Coding change: c.2735G>A on transcript NM_000168.6 (MANE Select); coding-DNA position 2735, G replaced by A.
Protein change: p.Ser912Asn; replaces serine 912 with asparagine.
Molecular consequence: missense variant.
Genome position (GRCh38, 1-based): chr7:41,966,338, C>T on the plus strand (G>A on the coding strand, the complement: GLI3 is on the minus strand). VCF-style: chr7-41966338-C-T. GRCh37 (hg19) VCF-style: chr7-42005936-C-T.
Other names: short protein forms S912N.
Identifiers: ClinVar variation 1201862 (VCV001201862.10), dbSNP rs757735624, ClinGen allele CA4230537.
Genomic context (GRCh38, chr7:41,966,338, plus strand): 5'-TTGGCCTTGAGGCGGTACTGCTGGGCGGGCGTGAGGCTGAGCAGGCTGGGCAGGCCGTCG[C>T]TCTGGCTGGCTTCGCTGGAGCGGCGCGAGGCGTCGGTGGAGATGGGGTCGTAGGAGTCGG-3'
Protein context (NP_000159.3, residues 902-922): ASRRSSEASQ[Ser912Asn]DGLPSLLSLT